The following is an entry in ClinVar:

NM_005751.5(AKAP9):c.10880G>A (p.Gly3627Glu)

Gene: AKAP9 (A-kinase anchoring protein 9; plus strand). Cytogenetic location: 7q21.2.
Variant type: single nucleotide variant.
Coding change: c.10880G>A on transcript NM_005751.5 (MANE Select); coding-DNA position 10880, G replaced by A.
Protein change: p.Gly3627Glu; replaces glycine 3627 with glutamic acid.
Molecular consequence: missense variant.
Genome position (GRCh38, 1-based): chr7:92,099,853, G>A. VCF-style: chr7-92099853-G-A. GRCh37 (hg19) VCF-style: chr7-91729167-G-A.
Other names: c.5525G>A, p.Gly1842Glu (NM_001379277.1); c.10856G>A, p.Gly3619Glu (NM_147185.3); short protein forms G3627E, G3619E, G1842E.
Identifiers: ClinVar variation 263485 (VCV000263485.13), dbSNP rs753656531, ClinGen allele CA4338037.
Genomic context (GRCh38, chr7:92,099,853, plus strand): 5'-ATGACTTAAGGAACATGGTTATGAAGCTGGAAGAGCAGATCAGGTGGTATCGACAGACAG[G>A]AGCTGGTAGAGATAATGTATGTCCATTTTTAGCATCTCCATATATGAGAATTAGTGCATG-3'
Protein context (NP_005742.4, residues 3617-3637): EEQIRWYRQT[Gly3627Glu]AGRDNSSRFS

ClinVar aggregate classification (germline): Conflicting classifications of pathogenicity. Review status: criteria provided, conflicting classifications (1 of 4 stars). 2 submissions from 2 submitters: Uncertain significance (1); Benign (1). Last evaluated 2025-06-24.

Conditions:
Long QT syndrome (LQTS). Identifiers: MedGen C0023976, MeSH D008133, MONDO:0002442. Disease mechanism: loss of function. Inheritance: Various modes of inheritance.
Cardiovascular phenotype. Identifiers: MedGen CN230736.

Allele frequency attached by ClinVar (database versions not stated): ExAC 0.00002; TOPMed 0.00002; gnomAD exomes 0.00003 and 0.00004; gnomAD 0.00004.
gnomAD v4.1: 43 of 1,613,784 alleles (0.0027%); highest among the groups gnomAD compares: East Asian, 0.013%; no homozygotes.

Submissions (2):

Labcorp Genetics (formerly Invitae), Labcorp
Classification: Uncertain significance for Long QT syndrome. Last evaluated: 2025-06-24. Review status: criteria provided, single submitter. Criteria: Invitae Variant Classification Sherloc (09022015). Collection method: clinical testing. Allele origin: germline.
Comment: This sequence change replaces glycine, which is neutral and non-polar, with glutamic acid, which is acidic and polar, at codon 3627 of the AKAP9 protein (p.Gly3627Glu). This variant is present in population databases (rs753656531, gnomAD 0.02%). This variant has not been reported in the literature in individuals affected with AKAP9-related conditions. ClinVar contains an entry for this variant (Variation ID: 263485). An algorithm developed to predict the effect of missense changes on protein structure and function (PolyPhen-2) suggests that this variant is likely to be tolerated. In summary, the available evidence is currently insufficient to determine the role of this variant in disease. Therefore, it has been classified as a Variant of Uncertain Significance.

Ambry Genetics
Classification: Benign for Cardiovascular phenotype. Last evaluated: 2024-04-03. Review status: criteria provided, single submitter. Criteria: Ambry Variant Classification Scheme 2023. Collection method: clinical testing. Allele origin: germline.